The following is an entry in ClinVar:

NM_015311.3(OBSL1):c.2539G>A (p.Val847Met)

Gene: OBSL1 (obscurin like cytoskeletal adaptor 1; minus strand). Cytogenetic location: 2q35.
Variant type: single nucleotide variant.
Coding change: c.2539G>A on transcript NM_015311.3 (MANE Select); coding-DNA position 2539, G replaced by A.
Protein change: p.Val847Met; replaces valine 847 with methionine.
Molecular consequence: missense variant.
Genome position (GRCh38, 1-based): chr2:219,563,496, C>T on the plus strand (G>A on the coding strand, the complement: OBSL1 is on the minus strand). VCF-style: chr2-219563496-C-T. GRCh37 (hg19) VCF-style: chr2-220428218-C-T.
Other names: c.2539G>A, p.Val847Met (NM_001173408.2, NM_001173431.2); short protein forms V847M.
Identifiers: ClinVar variation 999972 (VCV000999972.8), dbSNP rs1696652504, ClinGen allele CA350748529.

ClinVar aggregate classification (germline): Uncertain significance (1 of 4 stars; one submission).

Submission:

Labcorp Genetics (formerly Invitae), Labcorp
Classification: Uncertain significance. Last evaluated: 2020-05-31. Review status: criteria provided, single submitter. Criteria: Invitae Variant Classification Sherloc (09022015). Collection method: clinical testing. Allele origin: germline.
Comment: In summary, the available evidence is currently insufficient to determine the role of this variant in disease. Therefore, it has been classified as a Variant of Uncertain Significance. Algorithms developed to predict the effect of missense changes on protein structure and function are either unavailable or do not agree on the potential impact of this missense change (SIFT: "Deleterious"; PolyPhen-2: "Probably Damaging"; Align-GVGD: "Class C0"). This variant has not been reported in the literature in individuals with OBSL1-related conditions. This variant is not present in population databases (ExAC no frequency). This sequence change replaces valine with methionine at codon 847 of the OBSL1 protein (p.Val847Met). The valine residue is moderately conserved and there is a small physicochemical difference between valine and methionine.